The following is an entry in ClinVar:

NM_000133.4(F9):c.384T>A (p.Cys128Ter)

Gene: F9 (coagulation factor IX; plus strand). Cytogenetic location: Xq27.1.
Variant type: single nucleotide variant.
Coding change: c.384T>A on transcript NM_000133.4 (MANE Select); coding-DNA position 384, T replaced by A.
Protein change: p.Cys128Ter; replaces cysteine 128 with a stop codon.
Molecular consequence: nonsense. On other transcripts: intron variant (1).
Genome position (GRCh38, 1-based): chrX:139,541,182, T>A. VCF-style: chrX-139541182-T-A. GRCh37 (hg19) VCF-style: chrX-138623341-T-A.
Other names: c.277+3796T>A (NM_001313913.2); short protein forms C128*.
Identifiers: ClinVar variation 1438328 (VCV001438328.7), dbSNP rs780435919, ClinGen allele CA414437961.

ClinVar aggregate classification (germline): Pathogenic/Likely pathogenic. Review status: criteria provided, multiple submitters, no conflicts (2 of 4 stars). 2 submissions from 2 submitters: Pathogenic (1); Likely pathogenic (1). Last evaluated 2024-03-05.

Conditions:
Warfarin sensitivity, X-linked. Also called: COUMARIN SENSITIVITY, X-LINKED. Identifiers: MedGen C5393318, OMIM 301052, MONDO:0026768.
Thrombophilia, X-linked, due to factor 9 defect. Identifiers: MedGen C2749016, MONDO:0010432, OMIM 300807.
Hereditary factor IX deficiency disease (HEMB). Also called: Christmas Disease; F9 DEFICIENCY; FACTOR IX DEFICIENCY; PLASMA THROMBOPLASTIN COMPONENT DEFICIENCY; Hemophilia B. Identifiers: Orphanet 98879, MedGen C0008533, MeSH D002836, MONDO:0010604, OMIM 306900.

Submissions (2):

Fulgent Genetics
Classification: Likely pathogenic for Thrombophilia, X-linked, due to factor 9 defect; Warfarin sensitivity, X-linked; Hereditary factor IX deficiency disease. Last evaluated: 2024-03-05. Review status: criteria provided, single submitter. Criteria: ACMG Guidelines, 2015. Collection method: clinical testing. Allele origin: germline.

Labcorp Genetics (formerly Invitae), Labcorp
Classification: Pathogenic for Thrombophilia, X-linked, due to factor 9 defect; Hereditary factor IX deficiency disease. Last evaluated: 2021-05-05. Review status: criteria provided, single submitter. Criteria: Invitae Variant Classification Sherloc (09022015). Collection method: clinical testing. Allele origin: germline.
Comment: This sequence change creates a premature translational stop signal (p.Cys128*) in the F9 gene. It is expected to result in an absent or disrupted protein product. Loss-of-function variants in F9 are known to be pathogenic (PMID: 20301668). This variant is not present in population databases (ExAC no frequency). This variant has not been reported in the literature in individuals with F9-related conditions. For these reasons, this variant has been classified as Pathogenic.

Literature cited by the submitters: PubMed 20301668 (cited by Labcorp Genetics (formerly Invitae), Labcorp).